The following is an entry in ClinVar:

NM_001122630.2(CDKN1C):c.296C>T (p.Ala99Val)

Gene: CDKN1C (cyclin dependent kinase inhibitor 1C; minus strand). Cytogenetic location: 11p15.4.
Variant type: single nucleotide variant.
Coding change: c.296C>T on transcript NM_001122630.2 (MANE Select); coding-DNA position 296, C replaced by T.
Protein change: p.Ala99Val; replaces alanine 99 with valine.
Molecular consequence: missense variant. On other transcripts: intron variant (1).
Genome position (GRCh38, 1-based): chr11:2,885,161, G>A on the plus strand (C>T on the coding strand, the complement: CDKN1C is on the minus strand). VCF-style: chr11-2885161-G-A. GRCh37 (hg19) VCF-style: chr11-2906391-G-A.
Other names: c.329C>T, p.Ala110Val (NM_000076.2, NM_001362474.2); c.296C>T, p.Ala99Val (NM_001122631.2); c.255+41C>T (NM_001362475.2); short protein forms A110V, A99V.
Identifiers: ClinVar variation 2415037 (VCV002415037.6), dbSNP rs2494389044, ClinGen allele CA379146920.

ClinVar aggregate classification (germline): Uncertain significance (1 of 4 stars; one submission).

Conditions:
Beckwith-Wiedemann syndrome (BWS). Also called: EMG SYNDROME; Exomphalos macroglossia gigantism syndrome. Identifiers: Orphanet 116, MedGen C0004903, MONDO:0007534, OMIM 130650.

Allele frequency attached by ClinVar (database versions not stated): gnomAD exomes below 0.00001.

Submission:

Labcorp Genetics (formerly Invitae), Labcorp
Classification: Uncertain significance for Beckwith-Wiedemann syndrome. Last evaluated: 2022-08-06. Review status: criteria provided, single submitter. Criteria: Invitae Variant Classification Sherloc (09022015). Collection method: clinical testing. Allele origin: germline.
Comment: This variant is not present in population databases (gnomAD no frequency). This sequence change replaces alanine, which is neutral and non-polar, with valine, which is neutral and non-polar, at codon 110 of the CDKN1C protein (p.Ala110Val). This variant has not been reported in the literature in individuals affected with CDKN1C-related conditions. In summary, the available evidence is currently insufficient to determine the role of this variant in disease. Therefore, it has been classified as a Variant of Uncertain Significance. Algorithms developed to predict the effect of missense changes on protein structure and function (SIFT, PolyPhen-2, Align-GVGD) all suggest that this variant is likely to be tolerated.